The following is an entry in ClinVar:

NM_015268.4(DNAJC13):c.6675G>A (p.Met2225Ile)

Gene: DNAJC13 (DnaJ heat shock protein family (Hsp40) member C13; plus strand). Cytogenetic location: 3q22.1.
Variant type: single nucleotide variant.
Coding change: c.6675G>A on transcript NM_015268.4 (MANE Select); coding-DNA position 6675, G replaced by A.
Protein change: p.Met2225Ile; replaces methionine 2225 with isoleucine.
Molecular consequence: missense variant.
Genome position (GRCh38, 1-based): chr3:132,538,225, G>A. VCF-style: chr3-132538225-G-A. GRCh37 (hg19) VCF-style: chr3-132257069-G-A.
Other names: p.Met2225Ile; c.6690G>A, p.Met2230Ile (NM_001329126.2); short protein forms M2225I, M2230I.
Identifiers: ClinVar variation 771354 (VCV000771354.11), dbSNP rs138367039, ClinGen allele CA2620218.

ClinVar aggregate classification (germline): Benign. Review status: criteria provided, multiple submitters, no conflicts (2 of 4 stars). 5 submissions from 5 submitters: Benign (4). 1 of the submissions does not count toward it. Last evaluated 2023-03-31.

Conditions:
DNAJC13-related disorder. Also called: DNAJC13-related condition.

Allele frequency attached by ClinVar (database versions not stated): ESP Exome Variant Server 0.00323; gnomAD exomes 0.00540 and 0.01195; gnomAD 0.00724 and 0.00732; TOPMed 0.00991; 1000 Genomes Project 30x 0.00999; ExAC 0.00915; 1000 Genomes Project 0.00998.
gnomAD v4.1: 8,935 of 1,613,884 alleles (0.55%); highest among the groups gnomAD compares: Admixed American, 6.1%; 158 homozygotes.

Submissions (5):

Mayo Clinic Laboratories, Mayo Clinic
Classification: Benign. Last evaluated: 2023-03-31. Review status: criteria provided, single submitter. Criteria: ACMG Guidelines, 2015. Collection method: clinical testing. Allele origin: germline. Observed: 9 variant alleles.

Labcorp Genetics (formerly Invitae), Labcorp
Classification: Benign. Last evaluated: 2019-12-31. Review status: criteria provided, single submitter. Criteria: Invitae Variant Classification Sherloc (09022015). Collection method: clinical testing. Allele origin: germline.

GeneDx
Classification: Benign. Last evaluated: 2018-07-14. Review status: criteria provided, single submitter. Criteria: GeneDx Variant Classification Process June 2021. Collection method: clinical testing. Allele origin: germline. Affected: yes.

Breakthrough Genomics
Classification: Benign. Review status: criteria provided, single submitter. Criteria: ACMG Guidelines, 2015. Collection method: not provided. Allele origin: germline. Inheritance: Unknown mechanism. Affected: yes.

PreventionGenetics, part of Exact Sciences
Classification: Benign for DNAJC13-related condition. Last evaluated: 2019-05-24. Review status: no assertion criteria provided. Collection method: clinical testing. Allele origin: germline. Not counted in ClinVar's aggregate classification.
Comment: This variant is classified as benign based on ACMG/AMP sequence variant interpretation guidelines (Richards et al. 2015 PMID: 25741868, with internal and published modifications).